The following is an entry in ClinVar:

ClinVar aggregate classification (germline): Uncertain significance (1 of 4 stars; one submission).

Conditions:
Fanconi anemia (FA). Also called: Fanconi's anemia. Identifiers: Orphanet 84, MedGen C0015625, MeSH D005199, MONDO:0019391.

Submission:

Labcorp Genetics (formerly Invitae), Labcorp
Classification: Uncertain significance for Fanconi anemia. Last evaluated: 2023-11-27. Review status: criteria provided, single submitter. Criteria: Invitae Variant Classification Sherloc (09022015). Collection method: clinical testing. Allele origin: germline.
Comment: This sequence change replaces histidine, which is basic and polar, with glutamine, which is neutral and polar, at codon 308 of the FANCF protein (p.His308Gln). This variant is not present in population databases (gnomAD no frequency). This variant has not been reported in the literature in individuals affected with FANCF-related conditions. Advanced modeling of protein sequence and biophysical properties (such as structural, functional, and spatial information, amino acid conservation, physicochemical variation, residue mobility, and thermodynamic stability) performed at Invitae indicates that this missense variant is not expected to disrupt FANCF protein function with a negative predictive value of 80%. In summary, the available evidence is currently insufficient to determine the role of this variant in disease. Therefore, it has been classified as a Variant of Uncertain Significance.

NM_022725.4(FANCF):c.924C>A (p.His308Gln)

Genes: FANCF (FA complementation group F; minus strand), LOC130005444 (ATAC-STARR-seq lymphoblastoid active region 4534; plus strand). Cytogenetic location: 11p14.3.
Variant type: single nucleotide variant.
Coding change: c.924C>A on transcript NM_022725.4 (MANE Select); coding-DNA position 924, C replaced by A.
Protein change: p.His308Gln; replaces histidine 308 with glutamine.
Molecular consequence: missense variant.
Genome position (GRCh38, 1-based): chr11:22,624,887, G>T on the plus strand (C>A on the coding strand, the complement: FANCF is on the minus strand). VCF-style: chr11-22624887-G-T. GRCh37 (hg19) VCF-style: chr11-22646433-G-T.
Other names: short protein forms H308Q.
Identifiers: ClinVar variation 3006193 (VCV003006193.3), dbSNP rs762782397, ClinGen allele CA380058045.